The following is an entry in ClinVar:

NM_017802.4(DNAAF5):c.1221G>C (p.Gln407His)

Gene: DNAAF5 (dynein axonemal assembly factor 5; plus strand). Cytogenetic location: 7p22.3.
Variant type: single nucleotide variant.
Coding change: c.1221G>C on transcript NM_017802.4 (MANE Select); coding-DNA position 1221, G replaced by C.
Protein change: p.Gln407His; replaces glutamine 407 with histidine.
Molecular consequence: missense variant. On other transcripts: non-coding transcript variant (1).
Genome position (GRCh38, 1-based): chr7:754,785, G>C. VCF-style: chr7-754785-G-C. GRCh37 (hg19) VCF-style: chr7-794422-G-C.
Other names: c.1221G>C (NM_017802.3); short protein forms Q407H.
Identifiers: ClinVar variation 1391113 (VCV001391113.5), dbSNP rs1782430981, ClinGen allele CA366536767.

ClinVar aggregate classification (germline): Uncertain significance. Review status: criteria provided, multiple submitters, no conflicts (2 of 4 stars). 2 submissions from 2 submitters: Uncertain significance (2). Last evaluated 2025-10-15.

Conditions:
Primary ciliary dyskinesia. Also called: Ciliary dyskinesia. Identifiers: Orphanet 244, MedGen C0008780, MONDO:0016575, HP:0012265.

Submissions (2):

Ambry Genetics
Classification: Uncertain significance for Primary ciliary dyskinesia. Last evaluated: 2025-10-15. Review status: criteria provided, single submitter. Criteria: Ambry Variant Classification Scheme 2023. Collection method: clinical testing. Allele origin: germline.

Labcorp Genetics (formerly Invitae), Labcorp
Classification: Uncertain significance for Primary ciliary dyskinesia. Last evaluated: 2021-11-22. Review status: criteria provided, single submitter. Criteria: Invitae Variant Classification Sherloc (09022015). Collection method: clinical testing. Allele origin: germline.
Comment: This sequence change replaces glutamine, which is neutral and polar, with histidine, which is basic and polar, at codon 407 of the DNAAF5 protein (p.Gln407His). This variant is not present in population databases (gnomAD no frequency). This variant has not been reported in the literature in individuals affected with DNAAF5-related conditions. Algorithms developed to predict the effect of missense changes on protein structure and function output the following: SIFT: "Tolerated"; PolyPhen-2: "Benign"; Align-GVGD: "Class C0". The histidine amino acid residue is found in multiple mammalian species, which suggests that this missense change does not adversely affect protein function. In summary, the available evidence is currently insufficient to determine the role of this variant in disease. Therefore, it has been classified as a Variant of Uncertain Significance.